The following is an entry in ClinVar:

NM_002294.3(LAMP2):c.36_37del (p.Gly13fs)

Gene: LAMP2 (lysosome associated membrane protein 2; minus strand). Cytogenetic location: Xq24.
Variant type: Deletion.
Coding change: c.36_37del on transcript NM_002294.3 (MANE Select); coding-DNA positions 36 to 37, 2 bases deleted (AG; older notation c.36_37delAG).
Protein change: p.Gly13fs; shifts the reading frame from glycine 13.
Molecular consequence: frameshift variant.
Genome position (GRCh38, 1-based): chrX:120,469,133-120,469,134, CT deleted on the plus strand (AG on the coding strand, the reverse complement: LAMP2 is on the minus strand). VCF-style (leftmost placement, unchanged base first): chrX-120469132-CCT-C. GRCh37 (hg19) VCF-style: chrX-119602987-CCT-C.
Other names: c.36_37del, p.Gly13fs (NM_001122606.1, NM_013995.2); short protein forms G13fs.
Identifiers: ClinVar variation 3651631 (VCV003651631.2).

ClinVar aggregate classification (germline): Pathogenic (1 of 4 stars; one submission).

Conditions:
Danon disease. Also called: ANTOPOL DISEASE; PSEUDOGLYCOGENOSIS II; GSD IIb; LYSOSOMAL GLYCOGEN STORAGE DISEASE WITHOUT ACID MALTASE DEFICIENCY; Glycogen Storage Disease Type IIb. Identifiers: Orphanet 34587, MedGen C0878677, MONDO:0010281, OMIM 300257.

Submission:

Labcorp Genetics (formerly Invitae), Labcorp
Classification: Pathogenic for Danon disease. Last evaluated: 2024-04-30. Review status: criteria provided, single submitter. Criteria: Invitae Variant Classification Sherloc (09022015). Collection method: clinical testing. Allele origin: germline.
Comment: This sequence change creates a premature translational stop signal (p.Gly13Alafs*19) in the LAMP2 gene. It is expected to result in an absent or disrupted protein product. Loss-of-function variants in LAMP2 are known to be pathogenic (PMID: 21415759). This variant is not present in population databases (gnomAD no frequency). This variant has not been reported in the literature in individuals affected with LAMP2-related conditions. For these reasons, this variant has been classified as Pathogenic.

Literature cited by the submitters: PubMed 21415759.